The following is an entry in ClinVar:

ClinVar aggregate classification (germline): Uncertain significance (1 of 4 stars; one submission).

Conditions:
Moyamoya disease 2 (MYMY2). Also called: MOYAMOYA DISEASE 2, SUSCEPTIBILITY TO. Identifiers: Orphanet 2573, MedGen C1846689, MONDO:0011784, OMIM 607151.

Submission:

Neuberg Centre For Genomic Medicine, NCGM
Classification: Uncertain significance for Moyamoya disease 2. Review status: criteria provided, single submitter. Criteria: ACMG Guidelines, 2015. Collection method: clinical testing. Allele origin: germline. Inheritance: Autosomal dominant inheritance. Affected: yes.
Comment: The splice site variant c.2812-3C>G in RNF213 gene has not been reported previously as a pathogenic variant nor as a benign variant, to our knowledge. The variant is novel (not in any individuals) in gnomAD Exomes and 1000 Genomes. For these reasons, this variant has been classified as Uncertain Significance .

NM_001256071.3(RNF213):c.2812-3C>G

Gene: RNF213 (ring finger protein 213; plus strand). Cytogenetic location: 17q25.3.
Variant type: single nucleotide variant.
Coding change: c.2812-3C>G on transcript NM_001256071.3 (MANE Select); 3 bases into the intron before coding-DNA position 2812, C replaced by G.
Molecular consequence: intron variant.
Genome position (GRCh38, 1-based): chr17:80,317,185, C>G. VCF-style: chr17-80317185-C-G. GRCh37 (hg19) VCF-style: chr17-78290985-C-G.
Other names: c.2959-3C>G (NM_020914.5, NM_001410195.1); c.2812-3C>G (NM_020954.4).
Identifiers: ClinVar variation 2585254 (VCV002585254.1), dbSNP rs2511270131, ClinGen allele CA2582342327.
Genomic context (GRCh38, chr17:80,317,185, plus strand): 5'-CATGGGAGTGTGCCGTGGCATTTAGTCGTGAGAGTGGGTGTGACCTGTGTGCGGGTTTTG[C>G]AGGTCTGGAGGCGGCTGGTGGAAATCCAATTCCCCGCGGAGCATGGCTGGAAGGAGTCGT-3'